The following is an entry in ClinVar:

ClinVar aggregate classification (germline): Conflicting classifications of pathogenicity. Review status: criteria provided, conflicting classifications (1 of 4 stars). 5 submissions from 5 submitters: Uncertain significance (1); Benign (1); Likely benign (2). 1 of the submissions does not count toward it. Last evaluated 2025-12-03.

Conditions:
CUBN-related disorder. Also called: CUBN-related condition.
Imerslund-Grasbeck syndrome. Also called: ENTEROCYTE COBALAMIN MALABSORPTION; ENTEROCYTE INTRINSIC FACTOR RECEPTOR, DEFECT OF; Imerslund-Gräsbeck syndrome; PERNICIOUS ANEMIA, JUVENILE, DUE TO SELECTIVE INTESTINAL MALABSORPTION OF VITAMIN B12, WITH PROTEINURIA; Megaloblastic anemia due to inborn errors of metabolism. Identifiers: Orphanet 35858, MedGen C4551825, MONDO:0009853.
Imerslund-Grasbeck syndrome type 1 (IGS1). Also called: Megaloblastic anemia 1, Finnish type; MEGALOBLASTIC ANEMIA, 1; Imerslund-Gräsbeck syndrome 1. Identifiers: MedGen C4016819, MONDO:0100156, OMIM 261100.

Allele frequency attached by ClinVar (database versions not stated): gnomAD exomes 0.00027 and 0.00021; 1000 Genomes Project 30x 0.00078; 1000 Genomes Project 0.00100; gnomAD 0.00009 and 0.00014; TOPMed 0.00020; ExAC 0.00026.
gnomAD v4.1: 335 of 1,614,042 alleles (0.021%); highest among the groups gnomAD compares: East Asian, 0.51%; no homozygotes.

Submissions (5):

Women's Health and Genetics/Laboratory Corporation of America, LabCorp
Classification: Likely benign. Last evaluated: 2025-12-03. Review status: criteria provided, single submitter. Criteria: LabCorp Variant Classification Summary - May 2015. Collection method: clinical testing. Allele origin: germline.

Labcorp Genetics (formerly Invitae), Labcorp
Classification: Benign for Imerslund-Grasbeck syndrome. Last evaluated: 2025-03-23. Review status: criteria provided, single submitter. Criteria: Invitae Variant Classification Sherloc (09022015). Collection method: clinical testing. Allele origin: germline.

Blueprint Genetics
Classification: Likely benign. Last evaluated: 2023-11-13. Review status: criteria provided, single submitter. Criteria: ACMG Guidelines, 2015. Collection method: clinical testing. Allele origin: germline.

Illumina Laboratory Services, Illumina
Classification: Uncertain significance for Imerslund-Grasbeck syndrome type 1. Last evaluated: 2018-01-13. Review status: criteria provided, single submitter. Criteria: ICSL Variant Classification Criteria 13 December 2019. Collection method: clinical testing. Allele origin: germline.

PreventionGenetics, part of Exact Sciences
Classification: Likely benign for CUBN-related condition. Last evaluated: 2019-12-16. Review status: no assertion criteria provided. Collection method: clinical testing. Allele origin: germline. Not counted in ClinVar's aggregate classification.
Comment: This variant is classified as likely benign based on ACMG/AMP sequence variant interpretation guidelines (Richards et al. 2015 PMID: 25741868, with internal and published modifications).

NM_001081.4(CUBN):c.5862G>A (p.Lys1954=)

Gene: CUBN (cubilin; minus strand). Cytogenetic location: 10p13.
Variant type: single nucleotide variant.
Coding change: c.5862G>A on transcript NM_001081.4 (MANE Select); coding-DNA position 5862, G replaced by A.
Protein change: p.Lys1954=; no amino-acid change (lysine 1954 retained).
Molecular consequence: synonymous variant.
Genome position (GRCh38, 1-based): chr10:16,937,656, C>T on the plus strand (G>A on the coding strand, the complement: CUBN is on the minus strand). VCF-style: chr10-16937656-C-T. GRCh37 (hg19) VCF-style: chr10-16979655-C-T.
Identifiers: ClinVar variation 299452 (VCV000299452.13), dbSNP rs181991723, ClinGen allele CA5423887.
Genomic context (GRCh38, chr10:16,937,656, plus strand): 5'-AGCAATGGTAGGTAAAACACCATCAGGTGCATCCACTGCAAACCACTCCAGAAGGAATCC[C>T]TTCCCTGAGATTGAAGAGTCGGAGTAAAAATGAAATGTCAAAGAATTTCCAGTGGAGCTG-3'
Protein context (NP_001072.2, residues 1944-1964): HFYSDSSISG[Lys1954=]GFLLEWFAVD